The following is an entry in ClinVar:

NM_138694.4(PKHD1):c.4606G>A (p.Val1536Ile)

Genes: PKHD1 (PKHD1 ciliary IPT domain containing fibrocystin/polyductin; minus strand), LOC126859690 (MED14-independent group 3 enhancer GRCh37_chr6:51888848-51890047; plus strand). Cytogenetic location: 6p12.2.
Variant type: single nucleotide variant.
Coding change: c.4606G>A on transcript NM_138694.4 (MANE Select); coding-DNA position 4606, G replaced by A.
Protein change: p.Val1536Ile; replaces valine 1536 with isoleucine.
Molecular consequence: missense variant.
Genome position (GRCh38, 1-based): chr6:52,025,204, C>T on the plus strand (G>A on the coding strand, the complement: PKHD1 is on the minus strand). VCF-style: chr6-52025204-C-T. GRCh37 (hg19) VCF-style: chr6-51890002-C-T.
Other names: c.4606G>A (NM_138694.3); c.4606G>A, p.Val1536Ile (NM_170724.3); short protein forms V1536I.
Identifiers: ClinVar variation 500568 (VCV000500568.6), dbSNP rs371846890, ClinGen allele CA3852693.

ClinVar aggregate classification (germline): Uncertain significance. Review status: criteria provided, multiple submitters, no conflicts (2 of 4 stars). 2 submissions from 2 submitters: Uncertain significance (2). Last evaluated 2026-07-21.

Conditions:
PKHD1-related disorder. Also called: PKHD1-related condition.

Allele frequency attached by ClinVar (database versions not stated): gnomAD 0.00002 and 0.00003; gnomAD exomes 0.00002 and 0.00003; TOPMed 0.00003; ExAC 0.00004; ESP Exome Variant Server 0.00008.
gnomAD v4.1: 35 of 1,614,036 alleles (0.0022%); highest among the groups gnomAD compares: East Asian, 0.013%; no homozygotes.

Submissions (2):

PreventionGenetics, part of Exact Sciences
Classification: Uncertain significance for PKHD1-related condition. Last evaluated: 2026-07-21. Review status: criteria provided, single submitter. Criteria: ACMG Guidelines, 2015. Collection method: clinical testing. Allele origin: germline.
Comment: The PKHD1 c.4606G>A variant is predicted to result in the amino acid substitution p.Val1536Ile. To our knowledge, this variant has not been reported in the literature. This variant is reported in 0.022% of alleles in individuals of East Asian descent in gnomAD. At this time, the clinical significance of this variant is uncertain due to the absence of conclusive functional and genetic evidence.

Eurofins Ntd Llc (ga)
Classification: Uncertain significance. Last evaluated: 2017-02-22. Review status: criteria provided, single submitter. Criteria: EGL Classification Definitions 2015. Collection method: clinical testing. Allele origin: germline. Observed: 1 variant allele, 1 heterozygote.